The following is an entry in ClinVar:

ClinVar aggregate classification (germline): Likely benign. Review status: criteria provided, single submitter (1 of 4 stars). 2 submissions from 2 submitters: Likely benign (1). 1 of the submissions does not count toward it. Last evaluated 2022-12-16.

Conditions:
Infantile myofibromatosis (IMF). Also called: Congenital generalized fibromatosis. Identifiers: Orphanet 2591, MedGen C0432284, MONDO:0016824.
Skeletal overgrowth-craniofacial dysmorphism-hyperelastic skin-white matter lesions syndrome. Also called: SKELETAL OVERGROWTH WITH FACIAL DYSMORPHISM, HYPERELASTIC SKIN, WHITE MATTER LESIONS, AND NEUROLOGIC DETERIORATION; Kosaki overgrowth syndrome. Identifiers: Orphanet 477831, MedGen C4225270, MONDO:0014704, OMIM 616592.
Acroosteolysis-keloid-like lesions-premature aging syndrome. Also called: Premature aging syndrome, Penttinen type; Prematurely aged appearance, delayed bone maturation, acro-osteolysis, and brachydactyly; Progeroid syndrome, Penttinen type. Identifiers: Orphanet 363665, MedGen C1866182, MONDO:0011150, OMIM 601812.
Basal ganglia calcification, idiopathic, 4 (PFBC4). Also called: Familial Idiopathic Basal Ganglia Calcification 4; PRIMARY FAMILIAL BRAIN CALCIFICATION 4, AUTOSOMAL DOMINANT. Identifiers: Orphanet 1980, MedGen C3554321, MONDO:0014004, OMIM 615007.
PDGFRB-related disorder. Also called: PDGFRB-related condition.

Allele frequency attached by ClinVar (database versions not stated): ESP Exome Variant Server 0.00008.
gnomAD v4.1: 12 of 1,613,532 alleles (0.00074%); highest among the groups gnomAD compares: African/African-American, 0.0067%; no homozygotes.

Submissions (2):

Labcorp Genetics (formerly Invitae), Labcorp
Classification: Likely benign for Basal ganglia calcification, idiopathic, 4; Skeletal overgrowth-craniofacial dysmorphism-hyperelastic skin-white matter lesions syndrome; Infantile myofibromatosis; Acroosteolysis-keloid-like lesions-premature aging syndrome. Last evaluated: 2022-12-16. Review status: criteria provided, single submitter. Criteria: Invitae Variant Classification Sherloc (09022015). Collection method: clinical testing. Allele origin: germline.

PreventionGenetics, part of Exact Sciences
Classification: Likely benign for PDGFRB-related condition. Last evaluated: 2019-07-09. Review status: no assertion criteria provided. Collection method: clinical testing. Allele origin: germline. Not counted in ClinVar's aggregate classification.
Comment: This variant is classified as likely benign based on ACMG/AMP sequence variant interpretation guidelines (Richards et al. 2015 PMID: 25741868, with internal and published modifications).

NM_002609.4(PDGFRB):c.1554G>A (p.Thr518=)

Gene: PDGFRB (platelet derived growth factor receptor beta; minus strand). Cytogenetic location: 5q32.
Variant type: single nucleotide variant.
Coding change: c.1554G>A on transcript NM_002609.4 (MANE Select); coding-DNA position 1554, G replaced by A.
Protein change: p.Thr518=; no amino-acid change (threonine 518 retained).
Molecular consequence: synonymous variant.
Genome position (GRCh38, 1-based): chr5:150,129,782, C>T on the plus strand (G>A on the coding strand, the complement: PDGFRB is on the minus strand). VCF-style: chr5-150129782-C-T. GRCh37 (hg19) VCF-style: chr5-149509345-C-T.
Other names: c.1554G>A (NM_002609.3); c.1362G>A, p.Thr454= (NM_001355016.2); c.1071G>A, p.Thr357= (NM_001355017.2).
Identifiers: ClinVar variation 2925255 (VCV002925255.5), dbSNP rs371192118, ClinGen allele CA3507943.